The following is an entry in ClinVar:

NM_001232.4(CASQ2):c.646T>G (p.Phe216Val)

Gene: CASQ2 (calsequestrin 2; minus strand). Cytogenetic location: 1p13.1.
Variant type: single nucleotide variant.
Coding change: c.646T>G on transcript NM_001232.4 (MANE Select); coding-DNA position 646, T replaced by G.
Protein change: p.Phe216Val; replaces phenylalanine 216 with valine.
Molecular consequence: missense variant.
Genome position (GRCh38, 1-based): chr1:115,727,083, A>C on the plus strand (T>G on the coding strand, the complement: CASQ2 is on the minus strand). VCF-style: chr1-115727083-A-C. GRCh37 (hg19) VCF-style: chr1-116269704-A-C.
Other names: short protein forms F216V.
Identifiers: ClinVar variation 1999138 (VCV001999138.4), dbSNP rs2464892932, ClinGen allele CA341768818.

ClinVar aggregate classification (germline): Uncertain significance (1 of 4 stars; one submission).

Conditions:
Catecholaminergic polymorphic ventricular tachycardia 1. Also called: RYR2-Related Catecholaminergic Polymorphic Ventricular Tachycardia; VENTRICULAR TACHYCARDIA, CATECHOLAMINERGIC POLYMORPHIC, 1, WITH OR WITHOUT ATRIAL DYSFUNCTION AND/OR DILATED CARDIOMYOPATHY; VENTRICULAR TACHYCARDIA, STRESS-INDUCED POLYMORPHIC 1. Identifiers: Orphanet 3286, MedGen C1631597, MONDO:0011484, OMIM 604772.

Submission:

Labcorp Genetics (formerly Invitae), Labcorp
Classification: Uncertain significance for Catecholaminergic polymorphic ventricular tachycardia 1. Last evaluated: 2022-05-26. Review status: criteria provided, single submitter. Criteria: Invitae Variant Classification Sherloc (09022015). Collection method: clinical testing. Allele origin: germline.
Comment: In summary, the available evidence is currently insufficient to determine the role of this variant in disease. Therefore, it has been classified as a Variant of Uncertain Significance. Algorithms developed to predict the effect of missense changes on protein structure and function are either unavailable or do not agree on the potential impact of this missense change (SIFT: "Deleterious"; PolyPhen-2: "Probably Damaging"; Align-GVGD: "Class C0"). This variant has not been reported in the literature in individuals affected with CASQ2-related conditions. This variant is not present in population databases (gnomAD no frequency). This sequence change replaces phenylalanine, which is neutral and non-polar, with valine, which is neutral and non-polar, at codon 216 of the CASQ2 protein (p.Phe216Val).